The following is an entry in ClinVar:

ClinVar aggregate classification (germline): Likely pathogenic (1 of 4 stars; one submission).

Conditions:
Dilated cardiomyopathy 1G (CMD1G). Identifiers: Orphanet 154, MedGen C1858763, MONDO:0011400, OMIM 604145.
Autosomal recessive limb-girdle muscular dystrophy type 2J (LGMDR10). Also called: Limb-girdle muscular dystrophy, type 2J; MUSCULAR DYSTROPHY, LIMB-GIRDLE, AUTOSOMAL RECESSIVE 10. Identifiers: Orphanet 140922, MedGen C1837342, MONDO:0012127, OMIM 608807.

Submission:

Labcorp Genetics (formerly Invitae), Labcorp
Classification: Likely pathogenic for Dilated cardiomyopathy 1G; Autosomal recessive limb-girdle muscular dystrophy type 2J. Last evaluated: 2024-11-10. Review status: criteria provided, single submitter. Criteria: Invitae Variant Classification Sherloc (09022015). Collection method: clinical testing. Allele origin: germline.
Comment: This sequence change creates a premature translational stop signal (p.Val5761*) in the TTN gene. While this is not anticipated to result in nonsense mediated decay, it is expected to create a truncated TTN protein. This variant is present in population databases (no rsID available, gnomAD 0.0009%). This variant has not been reported in the literature in individuals affected with TTN-related conditions. ClinVar contains an entry for this variant (Variation ID: 939120). This variant is located in the I band of TTN (PMID: 25589632). Truncating variants in this region have been reported in individuals affected with autosomal recessive centronuclear myopathy (PMID: 23975875, internal data). Truncating variants in this region have also been identified in individuals affected with autosomal dominant dilated cardiomyopathy and/or cardio-related conditions (PMID: 27869827, 32964742, internal data). In summary, the currently available evidence indicates that the variant is pathogenic, but additional data are needed to prove that conclusively. Therefore, this variant has been classified as Likely Pathogenic.

Literature cited by the submitters: PubMed 25589632; PubMed 23975875; PubMed 27869827; PubMed 32964742.

NM_001267550.2(TTN):c.17281del (p.Thr5760_Val5761insTer)

Genes: TTN (titin; minus strand), LOC126806431 (CDK7 strongly-dependent group 2 enhancer GRCh37_chr2:179595719-179596918; plus strand). Cytogenetic location: 2q31.2.
Variant type: Deletion.
Coding change: c.17281del on transcript NM_001267550.2 (MANE Select); coding-DNA position 17281, one base deleted (G; older notation c.17281delG).
Protein change: p.Thr5760_Val5761insTer.
Molecular consequence: nonsense. On other transcripts: intron variant (3).
Genome position (GRCh38, 1-based): chr2:178,731,485, C deleted on the plus strand (G on the coding strand, the reverse complement: TTN is on the minus strand); the first of 2 consecutive C bases (chr2:178,731,485-178,731,486); deleting either gives the same sequence. VCF-style (leftmost placement, unchanged base first): chr2-178731484-AC-A. GRCh37 (hg19) VCF-style: chr2-179596211-AC-A.
Other names: c.16330del, p.Thr5443_Val5444insTer (NM_001256850.1); c.13549del, p.Thr4516_Val4517insTer (NM_133378.4); c.13282+6597del (NM_003319.4); c.13858+6597del (NM_133437.4); c.13657+6597del (NM_133432.3).
Identifiers: ClinVar variation 939120 (VCV000939120.10), dbSNP rs1392541002, ClinGen allele CA538437790.